The following is an entry in ClinVar:

NM_000548.5(TSC2):c.442G>C (p.Asp148His)

Gene: TSC2 (TSC complex subunit 2; plus strand). Cytogenetic location: 16p13.3.
Variant type: single nucleotide variant.
Coding change: c.442G>C on transcript NM_000548.5 (MANE Select); coding-DNA position 442, G replaced by C.
Protein change: p.Asp148His; replaces aspartic acid 148 with histidine.
Molecular consequence: missense variant. On other transcripts: intron variant (1).
Genome position (GRCh38, 1-based): chr16:2,054,401, G>C. VCF-style: chr16-2054401-G-C. GRCh37 (hg19) VCF-style: chr16-2104402-G-C.
Other names: c.442G>C, p.Asp148His (NM_001077183.3, NM_001114382.3, NM_001363528.2 and 3 more transcripts); c.331G>C, p.Asp111His (NM_001318827.2); c.295G>C, p.Asp99His (NM_001318829.2); c.475G>C, p.Asp159His (NM_001318832.2); c.-1-1795G>C (NM_001318831.2); short protein forms D159H, D99H, D111H, D148H.
Identifiers: ClinVar variation 1505646 (VCV001505646.8), dbSNP rs2151043628, ClinGen allele CA394308361.
Genomic context (GRCh38, chr16:2,054,401, plus strand): 5'-AAGGATTACCCTTCCAACGAAGACCTTCACGAAAGGCTGGAGGTTTTCAAGGCCCTCACA[G>C]ACAATGGGAGACACATCACCTACTTGGAGGAAGAGCTGGGTGGGTGCCACCTTGGGTTGG-3'
Protein context (NP_000539.2, residues 138-158): ERLEVFKALT[Asp148His]NGRHITYLEE

ClinVar aggregate classification (germline): Uncertain significance. Review status: criteria provided, multiple submitters, no conflicts (2 of 4 stars). 2 submissions from 2 submitters: Uncertain significance (2). Last evaluated 2021-11-25.

Conditions:
Tuberous sclerosis 2 (TSC2). Identifiers: Orphanet 805, MedGen C1860707, MONDO:0013199, OMIM 613254.
Hereditary cancer-predisposing syndrome. Also called: Tumor predisposition; Hereditary neoplastic syndrome; Neoplastic Syndromes, Hereditary; Hereditary Cancer Syndrome. Identifiers: Orphanet 140162, MedGen C0027672, MeSH D009386, MONDO:0015356.

Submissions (2):

Labcorp Genetics (formerly Invitae), Labcorp
Classification: Uncertain significance for Tuberous sclerosis 2. Last evaluated: 2021-11-25. Review status: criteria provided, single submitter. Criteria: Invitae Variant Classification Sherloc (09022015). Collection method: clinical testing. Allele origin: germline.
Comment: This variant has not been reported in the literature in individuals affected with TSC2-related conditions. In summary, the available evidence is currently insufficient to determine the role of this variant in disease. Therefore, it has been classified as a Variant of Uncertain Significance. Advanced modeling of protein sequence and biophysical properties (such as structural, functional, and spatial information, amino acid conservation, physicochemical variation, residue mobility, and thermodynamic stability) performed at Invitae indicates that this missense variant is not expected to disrupt TSC2 protein function. This variant is not present in population databases (gnomAD no frequency). This sequence change replaces aspartic acid, which is acidic and polar, with histidine, which is basic and polar, at codon 148 of the TSC2 protein (p.Asp148His).

Ambry Genetics
Classification: Uncertain significance for Hereditary cancer-predisposing syndrome. Last evaluated: 2021-04-07. Review status: criteria provided, single submitter. Criteria: Ambry Variant Classification Scheme 2023. Collection method: clinical testing. Allele origin: germline.
Comment: The p.D148H variant (also known as c.442G>C), located in coding exon 4 of the TSC2 gene, results from a G to C substitution at nucleotide position 442. The aspartic acid at codon 148 is replaced by histidine, an amino acid with similar properties. This amino acid position is not well conserved in available vertebrate species. In addition, this alteration is predicted to be deleterious by in silico analysis. Since supporting evidence is limited at this time, the clinical significance of this alteration remains unclear.